The following is an entry in ClinVar:

NM_001378183.1(PIEZO2):c.2136G>A (p.Met712Ile)

Gene: PIEZO2 (piezo type mechanosensitive ion channel component 2; minus strand). Cytogenetic location: 18p11.22.
Variant type: single nucleotide variant.
Coding change: c.2136G>A on transcript NM_001378183.1 (MANE Select); coding-DNA position 2136, G replaced by A.
Protein change: p.Met712Ile; replaces methionine 712 with isoleucine.
Molecular consequence: missense variant.
Genome position (GRCh38, 1-based): chr18:10,789,112, C>T on the plus strand (G>A on the coding strand, the complement: PIEZO2 is on the minus strand). VCF-style: chr18-10789112-C-T. GRCh37 (hg19) VCF-style: chr18-10789110-C-T.
Other names: c.2136G>A, p.Met712Ile (NM_001410871.1, NM_022068.4); short protein forms M712I.
Identifiers: ClinVar variation 2662909 (VCV002662909.1), dbSNP rs2510742988, ClinGen allele CA401921408.

ClinVar aggregate classification (germline): Uncertain significance (1 of 4 stars; one submission).

Submission:

GeneDx
Classification: Uncertain significance. Last evaluated: 2023-05-02. Review status: criteria provided, single submitter. Criteria: GeneDx Variant Classification Process June 2021. Collection method: clinical testing. Allele origin: germline. Affected: yes.
Comment: Not observed at significant frequency in large population cohorts (gnomAD); In silico analysis supports that this missense variant does not alter protein structure/function; Has not been previously reported as pathogenic or benign in association with PIEZO2-related disorder to our knowledge; This variant is associated with the following publications: (PMID: 28877744, 33610426, 36588752)